The following is an entry in ClinVar:

NM_138694.4(PKHD1):c.1825del (p.Gln609fs)

Gene: PKHD1 (PKHD1 ciliary IPT domain containing fibrocystin/polyductin; minus strand). Cytogenetic location: 6p12.2.
Variant type: Deletion.
Coding change: c.1825del on transcript NM_138694.4 (MANE Select); coding-DNA position 1825, one base deleted (C; older notation c.1825delC).
Protein change: p.Gln609fs; shifts the reading frame from glutamine 609.
Molecular consequence: frameshift variant.
Genome position (GRCh38, 1-based): chr6:52,055,598, G deleted on the plus strand (C on the coding strand, the reverse complement: PKHD1 is on the minus strand). VCF-style (leftmost placement, unchanged base first): chr6-52055597-TG-T. GRCh37 (hg19) VCF-style: chr6-51920395-TG-T.
Other names: c.1825del, p.Gln609fs (NM_170724.3); short protein forms Q609fs.
Identifiers: ClinVar variation 5013525 (VCV005013525.1).

ClinVar aggregate classification (germline): Pathogenic (1 of 4 stars; one submission).

Conditions:
Polycystic kidney disease 4 (PKD4). Also called: POLYCYSTIC KIDNEY AND HEPATIC DISEASE 1; POLYCYSTIC KIDNEY DISEASE, INFANTILE, TYPE I; POLYCYSTIC KIDNEY DISEASE 4 WITH OR WITHOUT POLYCYSTIC LIVER DISEASE; PKD3; Autosomal Recessive Polycystic Kidney Disease – PKHD1. Identifiers: MedGen C4540575, MONDO:0033004, OMIM 263200.

Submission:

Myriad Genetics, Inc.
Classification: Pathogenic for Polycystic kidney disease 4. Last evaluated: 2024-09-03. Review status: criteria provided, single submitter. Criteria: Myriad Autosomal Dominant, Autosomal Recessive and X-Linked Classification Criteria (2023). Collection method: clinical testing. Allele origin: unknown.
Comment: NM_138694.3(PKHD1):c.1825delC(Q609Sfs*13) is expected to be pathogenic in the context of autosomal recessive polycystic kidney disease, PKHD1-related. This variant is predicted to lead to an abnormal or absent protein product due to the creation of a premature termination codon in PKHD1, a gene where loss-of-function variants are known to be pathogenic. Please note: this variant was assessed in the context of healthy population screening.